The following is an entry in ClinVar:

ClinVar aggregate classification (germline): Uncertain significance (1 of 4 stars; one submission).

Conditions:
Hereditary cancer-predisposing syndrome. Also called: Neoplastic Syndromes, Hereditary; Tumor predisposition; Hereditary Cancer Syndrome; Hereditary neoplastic syndrome. Identifiers: Orphanet 140162, MedGen C0027672, MeSH D009386, MONDO:0015356.

Submission:

Ambry Genetics
Classification: Uncertain significance for Hereditary cancer-predisposing syndrome. Last evaluated: 2025-11-17. Review status: criteria provided, single submitter. Criteria: Ambry Variant Classification Scheme 2023. Collection method: clinical testing. Allele origin: germline.
Comment: The p.L630Q variant (also known as c.1889T>A), located in coding exon 14 of the POLD1 gene, results from a T to A substitution at nucleotide position 1889. The leucine at codon 630 is replaced by glutamine, an amino acid with dissimilar properties. This amino acid position is conserved. In addition, this alteration is predicted to be tolerated by in silico analysis. Based on the available evidence, the clinical significance of this variant remains unclear.

NM_002691.4(POLD1):c.1889T>A (p.Leu630Gln)

Gene: POLD1 (DNA polymerase delta 1, catalytic subunit; plus strand). Cytogenetic location: 19q13.33.
Variant type: single nucleotide variant.
Coding change: c.1889T>A on transcript NM_002691.4 (MANE Select); coding-DNA position 1889, T replaced by A.
Protein change: p.Leu630Gln; replaces leucine 630 with glutamine.
Molecular consequence: missense variant. On other transcripts: non-coding transcript variant (1).
Genome position (GRCh38, 1-based): chr19:50,408,898, T>A. VCF-style: chr19-50408898-T-A. GRCh37 (hg19) VCF-style: chr19-50912155-T-A.
Other names: c.1889T>A, p.Leu630Gln (NM_001256849.1, NM_001438210.1, NM_001438211.1 and 2 more transcripts); c.1967T>A, p.Leu656Gln (NM_001308632.1); short protein forms L656Q, L630Q.
Identifiers: ClinVar variation 4669356 (VCV004669356.1).
Genomic context (GRCh38, chr19:50,408,898, plus strand): 5'-TCATGATGGCCCACAACCTGTGTTACACCACGCTCCTTCGGCCCGGGACTGCACAGAAAC[T>A]GGGGTATAGTGCCCAATTCAGCATGTGTCCCCCGAGGCCCATCTGGGCCTTCCCTTGGGG-3'
Protein context (NP_002682.2, residues 620-640): TLLRPGTAQK[Leu630Gln]GLTEDQFIRT